The following is an entry in ClinVar:

NM_001378454.1(ALMS1):c.12298+3A>G

Genes: ALMS1 (ALMS1 centrosome and basal body associated protein; plus strand), LOC126806252 (BRD4-independent group 4 enhancer GRCh37_chr2:73828496-73829695; plus strand). Cytogenetic location: 2p13.1.
Variant type: single nucleotide variant.
Coding change: c.12298+3A>G on transcript NM_001378454.1 (MANE Select); 3 bases into the intron after coding-DNA position 12298, A replaced by G.
Molecular consequence: intron variant.
Genome position (GRCh38, 1-based): chr2:73,602,371, A>G. VCF-style: chr2-73602371-A-G. GRCh37 (hg19) VCF-style: chr2-73829498-A-G.
Other names: c.12298+3A>G (NM_015120.4).
Identifiers: ClinVar variation 2098076 (VCV002098076.2), dbSNP rs1675717896, ClinGen allele CA1261035332.
Genomic context (GRCh38, chr2:73,602,371, plus strand): 5'-AACATTGACAGGGAACGGCAGGGCCACCAGAATCGCATGTGCCCGCTGCCCAAGAGAGGT[A>G]CGCCCTGCCCGTTCACTTTCCTGTGAGTGGAATAGAGAAGGCAAGGTCTGCTGCTCTGCT-3'

ClinVar aggregate classification (germline): Uncertain significance. Review status: criteria provided, multiple submitters, no conflicts (2 of 4 stars). 2 submissions from 2 submitters: Uncertain significance (2). Last evaluated 2022-07-16.

Conditions:
Alstrom syndrome (ALMS). Identifiers: Orphanet 64, MedGen C0268425, MONDO:0008763, OMIM 203800.

Allele frequency attached by ClinVar (database versions not stated): gnomAD exomes below 0.00001.
gnomAD v4.1: 1 of 1,614,126 alleles (0.000062%); highest among the groups gnomAD compares: Non-Finnish European, 0.000085%; no homozygotes.

Submissions (2):

Labcorp Genetics (formerly Invitae), Labcorp
Classification: Uncertain significance for Alstrom syndrome. Last evaluated: 2022-07-16. Review status: criteria provided, single submitter. Criteria: Invitae Variant Classification Sherloc (09022015). Collection method: clinical testing. Allele origin: germline.
Comment: This sequence change falls in intron 20 of the ALMS1 gene. It does not directly change the encoded amino acid sequence of the ALMS1 protein. It affects a nucleotide within the consensus splice site. This variant is not present in population databases (gnomAD no frequency). This variant has not been reported in the literature in individuals affected with ALMS1-related conditions. Variants that disrupt the consensus splice site are a relatively common cause of aberrant splicing (PMID: 17576681, 9536098). Algorithms developed to predict the effect of sequence changes on RNA splicing suggest that this variant may create or strengthen a splice site. In summary, the available evidence is currently insufficient to determine the role of this variant in disease. Therefore, it has been classified as a Variant of Uncertain Significance.

Blueprint Genetics
Classification: Uncertain significance. Last evaluated: 2021-11-02. Review status: criteria provided, single submitter. Criteria: ACMG Guidelines, 2015. Collection method: clinical testing. Allele origin: germline.

Literature cited by the submitters: PubMed 17576681 (cited by Labcorp Genetics (formerly Invitae), Labcorp); PubMed 9536098 (cited by Labcorp Genetics (formerly Invitae), Labcorp).